The following is an entry in ClinVar:

NM_018965.4(TREM2):c.114T>G (p.Tyr38Ter)

Gene: TREM2 (triggering receptor expressed on myeloid cells 2; minus strand). Cytogenetic location: 6p21.1.
Variant type: single nucleotide variant.
Coding change: c.114T>G on transcript NM_018965.4 (MANE Select); coding-DNA position 114, T replaced by G.
Protein change: p.Tyr38Ter; replaces tyrosine 38 with a stop codon.
Molecular consequence: nonsense.
Genome position (GRCh38, 1-based): chr6:41,161,540, A>C on the plus strand (T>G on the coding strand, the complement: TREM2 is on the minus strand). VCF-style: chr6-41161540-A-C. GRCh37 (hg19) VCF-style: chr6-41129278-A-C.
Other names: p.Tyr38*; c.114T>G, p.Tyr38Ter (NM_001271821.2); short protein forms Y38*.
Identifiers: ClinVar variation 3381007 (VCV003381007.1).

ClinVar aggregate classification (germline): Likely pathogenic (1 of 4 stars; one submission).

gnomAD v4.1: 1 of 1,614,190 alleles (0.000062%); highest among the groups gnomAD compares: Non-Finnish European, 0.000085%; no homozygotes.

Submission:

Mayo Clinic Laboratories, Mayo Clinic
Classification: Likely pathogenic. Last evaluated: 2024-04-01. Review status: criteria provided, single submitter. Criteria: ACMG Guidelines, 2015. Collection method: clinical testing. Allele origin: germline. Observed: 1 variant allele.
Comment: PM2_moderate, PVS1

Literature cited by the submitters: PubMed 20301376; PubMed 23150934; PubMed 27995897; PubMed 29321225; PubMed 31068200; PubMed 32107424; PubMed 34275100; PubMed 38244651.